The following is an entry in ClinVar:

ClinVar aggregate classification (germline): Uncertain significance (1 of 4 stars; one submission).

Submission:

Labcorp Genetics (formerly Invitae), Labcorp
Classification: Uncertain significance. Last evaluated: 2025-09-27. Review status: criteria provided, single submitter. Criteria: Invitae Variant Classification Sherloc (09022015). Collection method: clinical testing. Allele origin: germline.
Comment: This sequence change replaces isoleucine, which is neutral and non-polar, with leucine, which is neutral and non-polar, at codon 53 of the CLTC protein (p.Ile53Leu). This variant is not present in population databases (gnomAD no frequency). This variant has not been reported in the literature in individuals affected with CLTC-related conditions. Invitae Evidence Modeling of protein sequence and biophysical properties (such as structural, functional, and spatial information, amino acid conservation, physicochemical variation, residue mobility, and thermodynamic stability) indicates that this missense variant is not expected to disrupt CLTC protein function with a negative predictive value of 80%. In summary, the available evidence is currently insufficient to determine the role of this variant in disease. Therefore, it has been classified as a Variant of Uncertain Significance.

NM_004859.4(CLTC):c.157A>C (p.Ile53Leu)

Gene: CLTC (clathrin heavy chain; plus strand). Cytogenetic location: 17q23.1.
Variant type: single nucleotide variant.
Coding change: c.157A>C on transcript NM_004859.4 (MANE Select); coding-DNA position 157, A replaced by C.
Protein change: p.Ile53Leu; replaces isoleucine 53 with leucine.
Molecular consequence: missense variant.
Genome position (GRCh38, 1-based): chr17:59,644,390, A>C. VCF-style: chr17-59644390-A-C. GRCh37 (hg19) VCF-style: chr17-57721751-A-C.
Other names: c.157A>C, p.Ile53Leu (NM_001288653.2); short protein forms I53L.
Identifiers: ClinVar variation 4760095 (VCV004760095.1).